The following is an entry in ClinVar:

NM_032122.5(DTNBP1):c.1028C>T (p.Pro343Leu)

Gene: DTNBP1 (dystrobrevin binding protein 1; minus strand). Cytogenetic location: 6p22.3.
Variant type: single nucleotide variant.
Coding change: c.1028C>T on transcript NM_032122.5 (MANE Select); coding-DNA position 1028, C replaced by T.
Protein change: p.Pro343Leu; replaces proline 343 with leucine.
Molecular consequence: missense variant.
Genome position (GRCh38, 1-based): chr6:15,523,003, G>A on the plus strand (C>T on the coding strand, the complement: DTNBP1 is on the minus strand). VCF-style: chr6-15523003-G-A. GRCh37 (hg19) VCF-style: chr6-15523234-G-A.
Other names: c.785C>T, p.Pro262Leu (NM_001271667.2); c.977C>T, p.Pro326Leu (NM_001271668.2); c.923C>T, p.Pro308Leu (NM_001271669.2); short protein forms P262L, P308L, P326L, P343L.
Identifiers: ClinVar variation 1465462 (VCV001465462.3), dbSNP rs376670611, ClinGen allele CA3643652.

ClinVar aggregate classification (germline): Uncertain significance (1 of 4 stars; one submission).

Allele frequency attached by ClinVar (database versions not stated): gnomAD 0.00001; TOPMed 0.00002; ExAC 0.00003; gnomAD exomes 0.00004; ESP Exome Variant Server 0.00008.
gnomAD v4.1: 50 of 1,614,090 alleles (0.0031%); highest among the groups gnomAD compares: Admixed American, 0.013%; no homozygotes.

Submission:

Labcorp Genetics (formerly Invitae), Labcorp
Classification: Uncertain significance. Last evaluated: 2022-09-19. Review status: criteria provided, single submitter. Criteria: Invitae Variant Classification Sherloc (09022015). Collection method: clinical testing. Allele origin: germline.
Comment: This sequence change replaces proline, which is neutral and non-polar, with leucine, which is neutral and non-polar, at codon 343 of the DTNBP1 protein (p.Pro343Leu). This variant is present in population databases (rs376670611, gnomAD 0.02%). This variant has not been reported in the literature in individuals affected with DTNBP1-related conditions. ClinVar contains an entry for this variant (Variation ID: 1465462). Algorithms developed to predict the effect of missense changes on protein structure and function are either unavailable or do not agree on the potential impact of this missense change (SIFT: "Deleterious"; PolyPhen-2: "Benign"; Align-GVGD: "Class C0"). In summary, the available evidence is currently insufficient to determine the role of this variant in disease. Therefore, it has been classified as a Variant of Uncertain Significance.